The following is an entry in ClinVar:

ClinVar aggregate classification (germline): Uncertain significance (1 of 4 stars; one submission).

Conditions:
Leigh syndrome (NULS). Also called: LEIGH SYNDROME, NUCLEAR; Leigh's syndrome; Leigh Disease; Subacute necrotizing encephalopathy; Necrotizing encephalopathy infantile subacute of Leigh; Leigh Syndrome (mtDNA deletion). Identifiers: Orphanet 506, MedGen C2931891, MONDO:0009723, OMIM 256000.

Submission:

OLLIN Analises Genomicas, OLLIN
Classification: Uncertain significance for Leigh syndrome. Last evaluated: 2026-08-06. Review status: criteria provided, single submitter. Criteria: ACMG Guidelines 2015 PMID 25741868. Collection method: clinical testing. Allele origin: germline.
Comment: This missense variant, located in exon 1 (of 1), is absent from gnomAD and ClinVar and has not been identified in the literature. In silico analysis is inconclusive regarding the impact of this variant. According to the currently available evidence, this variant has been classified as uncertain significance (PM2_P).

NC_012920.1(MT-ND5):m.14141T>C

Gene: MT-ND5 (mitochondrially encoded NADH dehydrogenase 5; plus strand).
Variant type: single nucleotide variant.
Genome position: chrM-14141-T-C.
Identifiers: ClinVar variation 5002757 (VCV005002757.1).
Genomic context (GRCh38, chrMT:14,141, plus strand): 5'-GCATAATTAAACTTTACTTCCTCTCTTTCTTCTTCCCACTCATCCTAACCCTACTCCTAA[T>C]CACATAACCTATTCCCCCGAGCAATCTCAATTACAATATATACACCAACAAACAATGTTC-3'